The following is an entry in ClinVar:

ClinVar aggregate classification (germline): Uncertain significance (1 of 4 stars; one submission).

Conditions:
Giant axonal neuropathy 1 (GAN1). Also called: GAN-Related Neurodegeneration; GIANT AXONAL NEUROPATHY 1, AUTOSOMAL RECESSIVE. Identifiers: Orphanet 643, MedGen C1850386, MONDO:0009749, OMIM 256850.

Submission:

Labcorp Genetics (formerly Invitae), Labcorp
Classification: Uncertain significance for Giant axonal neuropathy 1. Last evaluated: 2021-10-19. Review status: criteria provided, single submitter. Criteria: Invitae Variant Classification Sherloc (09022015). Collection method: clinical testing. Allele origin: germline.
Comment: In summary, the available evidence is currently insufficient to determine the role of this variant in disease. Therefore, it has been classified as a Variant of Uncertain Significance. Experimental studies and prediction algorithms are not available or were not evaluated, and the functional significance of this variant is currently unknown. This variant has not been reported in the literature in individuals affected with GAN-related conditions. This variant results in a copy number gain of the genomic region encompassing exon(s) 1-6 of the GAN gene. This region includes the initiator codon of the gene. This copy number gain extends beyond the assayed region for this gene and therefore may encompass additional genes. As the precise location of this event is unknown, it may be in tandem or it may be located elsewhere in the genome.

NC_000016.9:g.(?_81348719)_(81396236_?)dup

Gene: GAN (gigaxonin; plus strand). Cytogenetic location: 16q23.2.
Variant type: Duplication.
Identifiers: ClinVar variation 2426706 (VCV002426706.4).